The following is an entry in ClinVar:

NM_024675.4(PALB2):c.1013C>T (p.Pro338Leu)

Gene: PALB2 (partner and localizer of BRCA2; minus strand). Cytogenetic location: 16p12.2.
Variant type: single nucleotide variant.
Coding change: c.1013C>T on transcript NM_024675.4 (MANE Select); coding-DNA position 1013, C replaced by T.
Protein change: p.Pro338Leu; replaces proline 338 with leucine.
Molecular consequence: missense variant.
Genome position (GRCh38, 1-based): chr16:23,635,533, G>A on the plus strand (C>T on the coding strand, the complement: PALB2 is on the minus strand). VCF-style: chr16-23635533-G-A. GRCh37 (hg19) VCF-style: chr16-23646854-G-A.
Other names: short protein forms P338L.
Identifiers: ClinVar variation 628383 (VCV000628383.11), dbSNP rs1316239336, ClinGen allele CA395134434.

ClinVar aggregate classification (germline): Uncertain significance. Review status: criteria provided, multiple submitters, no conflicts (2 of 4 stars). 3 submissions from 3 submitters: Uncertain significance (3). Last evaluated 2024-02-01.

Conditions:
Familial cancer of breast. Also called: BREAST CANCER, FAMILIAL; Hereditary breast cancer; hereditary breast carcinoma. Identifiers: Orphanet 227535, MedGen C0346153, MONDO:0016419, OMIM 114480. Disease mechanism: loss of function.
Hereditary cancer-predisposing syndrome. Also called: Neoplastic Syndromes, Hereditary; Tumor predisposition; Hereditary neoplastic syndrome; Hereditary Cancer Syndrome. Identifiers: Orphanet 140162, MedGen C0027672, MeSH D009386, MONDO:0015356.

Allele frequency attached by ClinVar (database versions not stated): gnomAD exomes below 0.00001; gnomAD 0.00001.
gnomAD v4.1: 2 of 1,613,432 alleles (0.00012%); highest among the groups gnomAD compares: Admixed American, 0.0033%; no homozygotes.

Submissions (3):

Ambry Genetics
Classification: Uncertain significance for Hereditary cancer-predisposing syndrome. Last evaluated: 2024-02-01. Review status: criteria provided, single submitter. Criteria: Ambry Variant Classification Scheme 2023. Collection method: clinical testing. Allele origin: germline.
Comment: The p.P338L variant (also known as c.1013C>T), located in coding exon 4 of the PALB2 gene, results from a C to T substitution at nucleotide position 1013. The proline at codon 338 is replaced by leucine, an amino acid with similar properties. This amino acid position is conserved. In addition, this alteration is predicted to be tolerated by in silico analysis. Based on the available evidence, the clinical significance of this alteration remains unclear.

Labcorp Genetics (formerly Invitae), Labcorp
Classification: Uncertain significance for Familial cancer of breast. Last evaluated: 2021-12-05. Review status: criteria provided, single submitter. Criteria: Invitae Variant Classification Sherloc (09022015). Collection method: clinical testing. Allele origin: germline.
Comment: ClinVar contains an entry for this variant (Variation ID: 628383). This variant has not been reported in the literature in individuals affected with PALB2-related conditions. This variant is present in population databases (no rsID available, gnomAD 0.003%). This sequence change replaces proline, which is neutral and non-polar, with leucine, which is neutral and non-polar, at codon 338 of the PALB2 protein (p.Pro338Leu). Algorithms developed to predict the effect of missense changes on protein structure and function output the following: SIFT: "Tolerated"; PolyPhen-2: "Benign"; Align-GVGD: "Class C0". The leucine amino acid residue is found in multiple mammalian species, which suggests that this missense change does not adversely affect protein function. In summary, the available evidence is currently insufficient to determine the role of this variant in disease. Therefore, it has been classified as a Variant of Uncertain Significance.

Color Diagnostics, LLC DBA Color Health
Classification: Uncertain significance for Hereditary cancer-predisposing syndrome. Last evaluated: 2018-11-17. Review status: criteria provided, single submitter. Criteria: ACMG Guidelines, 2015. Collection method: clinical testing. Allele origin: germline.